The following is an entry in ClinVar:

NM_001040142.2(SCN2A):c.4036A>G (p.Ile1346Val)

Gene: SCN2A (sodium voltage-gated channel alpha subunit 2; plus strand). Cytogenetic location: 2q24.3.
Variant type: single nucleotide variant.
Coding change: c.4036A>G on transcript NM_001040142.2 (MANE Select); coding-DNA position 4036, A replaced by G.
Protein change: p.Ile1346Val; replaces isoleucine 1346 with valine.
Molecular consequence: missense variant.
Genome position (GRCh38, 1-based): chr2:165,374,748, A>G. VCF-style: chr2-165374748-A-G. GRCh37 (hg19) VCF-style: chr2-166231258-A-G.
Other names: p.I1346V:ATC>GTC; c.4036A>G, p.Ile1346Val (NM_001040143.2, NM_001371246.1, NM_001371247.1 and 1 more transcripts); short protein forms I1346V.
Identifiers: ClinVar variation 206997 (VCV000206997.15), dbSNP rs796053135, ClinGen allele CA317957.

ClinVar aggregate classification (germline): Pathogenic. Review status: criteria provided, multiple submitters, no conflicts (2 of 4 stars). 3 submissions from 3 submitters: Pathogenic (2). 1 of the submissions does not count toward it. Last evaluated 2023-10-03.

Conditions:
Developmental and epileptic encephalopathy. Identifiers: MedGen C5779964, MONDO:0100620.
West syndrome. Also called: Infantile epileptic spasms syndrome. Identifiers: Orphanet 3451, Orphanet 697160, MedGen C0037769, MONDO:0018097. Disease mechanism: loss of function.
Seizures, benign familial infantile, 3 (BFIS3). Also called: CONVULSIONS, BENIGN FAMILIAL INFANTILE, 3; Familial neonatal seizures. Identifiers: Orphanet 140927, Orphanet 306, MedGen C1843140, MONDO:0011904, OMIM 607745.
Developmental and epileptic encephalopathy, 11 (DEE11). Also called: Early infantile epileptic encephalopathy 11. Identifiers: Orphanet 1934, MedGen C3150987, MONDO:0013388, OMIM 613721.

Submissions (3):

Labcorp Genetics (formerly Invitae), Labcorp
Classification: Pathogenic for Seizures, benign familial infantile, 3; Developmental and epileptic encephalopathy, 11. Last evaluated: 2023-10-03. Review status: criteria provided, single submitter. Criteria: Invitae Variant Classification Sherloc (09022015). Collection method: clinical testing. Allele origin: germline.
Comment: This sequence change replaces isoleucine, which is neutral and non-polar, with valine, which is neutral and non-polar, at codon 1346 of the SCN2A protein (p.Ile1346Val). This variant is not present in population databases (gnomAD no frequency). This missense change has been observed in individual(s) with epilepsy and/or a neurodevelopmental disorder (PMID: 29655203; Invitae). In at least one individual the variant was observed to be de novo. ClinVar contains an entry for this variant (Variation ID: 206997). Advanced modeling of protein sequence and biophysical properties (such as structural, functional, and spatial information, amino acid conservation, physicochemical variation, residue mobility, and thermodynamic stability) performed at Invitae indicates that this missense variant is expected to disrupt SCN2A protein function. For these reasons, this variant has been classified as Pathogenic.

GeneDx
Classification: Pathogenic. Last evaluated: 2014-06-12. Review status: criteria provided, single submitter. Criteria: GeneDx Variant Classification (06012015). Collection method: clinical testing. Allele origin: germline. Affected: yes.
Comment: p.Ile1346Val (ATC>GTC): c.4036 A>G in exon 22 of the SCN2A gene (NM_021007.2). The I1346V variant has not been published as a mutation, nor has it been reported as a benign polymorphism to our knowledge. It is a conservative amino acid substitution, which is not likely to impact secondary protein structure as these residues share similar properties. However, it was not observed in approximately 6,500 individuals of European and African American ancestry in the NHLBI Exome Sequencing Project, indicating it is not a common benign variant in these populations. This substitution occurs in transmembrane segment S5 in the third homologous domain at a position that is conserved across species, and in silico analysis predicts it is probably damaging to the protein structure/function. This variant has been observed de novo without verified parentage. The variant is found in INFANT-EPI panel(s).

Neurology Department, Shenzhen Children's Hospital
Classification: Pathogenic for Early-infantile DEE. Last evaluated: 2022-02-16. Review status: no assertion criteria provided. Collection method: clinical testing. Allele origin: de novo. Affected: yes. Not counted in ClinVar's aggregate classification.

Literature cited by the submitters: PubMed 29655203 (cited by Labcorp Genetics (formerly Invitae), Labcorp).